The following is an entry in ClinVar:

ClinVar aggregate classification (germline): Uncertain significance (1 of 4 stars; one submission).

gnomAD v4.1: 9 of 1,614,270 alleles (0.00056%); highest among the groups gnomAD compares: South Asian, 0.0022%; no homozygotes.

Submission:

Labcorp Genetics (formerly Invitae), Labcorp
Classification: Uncertain significance. Last evaluated: 2024-10-28. Review status: criteria provided, single submitter. Criteria: Invitae Variant Classification Sherloc (09022015). Collection method: clinical testing. Allele origin: germline.
Comment: This sequence change replaces arginine, which is basic and polar, with cysteine, which is neutral and slightly polar, at codon 148 of the ELMOD3 protein (p.Arg148Cys). This variant is present in population databases (rs766073287, gnomAD 0.0009%). This variant has not been reported in the literature in individuals affected with ELMOD3-related conditions. Invitae Evidence Modeling of protein sequence and biophysical properties (such as structural, functional, and spatial information, amino acid conservation, physicochemical variation, residue mobility, and thermodynamic stability) indicates that this missense variant is not expected to disrupt ELMOD3 protein function with a negative predictive value of 80%. In summary, the available evidence is currently insufficient to determine the role of this variant in disease. Therefore, it has been classified as a Variant of Uncertain Significance.

NM_001135022.2(ELMOD3):c.442C>T (p.Arg148Cys)

Gene: ELMOD3 (ELMO domain containing 3; plus strand). Cytogenetic location: 2p11.2.
Variant type: single nucleotide variant.
Coding change: c.442C>T on transcript NM_001135022.2 (MANE Select); coding-DNA position 442, C replaced by T.
Protein change: p.Arg148Cys; replaces arginine 148 with cysteine.
Molecular consequence: missense variant. On other transcripts: non-coding transcript variant (3).
Genome position (GRCh38, 1-based): chr2:85,371,167, C>T. VCF-style: chr2-85371167-C-T. GRCh37 (hg19) VCF-style: chr2-85598290-C-T.
Other names: c.442C>T, p.Arg148Cys (NM_001135021.2, NM_001135023.2, NM_001329791.2 and 3 more transcripts); short protein forms R148C.
Identifiers: ClinVar variation 3674089 (VCV003674089.2).